The following is an entry in ClinVar:

ClinVar aggregate classification (germline): Uncertain significance. Review status: criteria provided, multiple submitters, no conflicts (2 of 4 stars). 2 submissions from 2 submitters: Uncertain significance (2). Last evaluated 2025-02-14.

Conditions:
Hereditary sensory neuropathy-deafness-dementia syndrome. Also called: NEUROPATHY, HEREDITARY SENSORY, WITH HEARING LOSS AND DEMENTIA; Hereditary sensory neuropathy type IE; HSN IE; Hereditary Sensory and Autonomic Neuropathy Type 1E (HSAN1E). Identifiers: Orphanet 456318, MedGen C3279885, MONDO:0013584, OMIM 614116.
Inborn genetic diseases. Identifiers: MedGen C0950123, MeSH D030342.

Allele frequency attached by ClinVar (database versions not stated): TOPMed below 0.00001; ExAC 0.00001; gnomAD 0.00001; gnomAD exomes 0.00002.
gnomAD v4.1: 10 of 1,613,892 alleles (0.00062%); highest among the groups gnomAD compares: Non-Finnish European, 0.00085%; no homozygotes.

Submissions (2):

Labcorp Genetics (formerly Invitae), Labcorp
Classification: Uncertain significance for Hereditary sensory neuropathy-deafness-dementia syndrome. Last evaluated: 2025-02-14. Review status: criteria provided, single submitter. Criteria: Invitae Variant Classification Sherloc (09022015). Collection method: clinical testing. Allele origin: germline.
Comment: This sequence change replaces glycine, which is neutral and non-polar, with aspartic acid, which is acidic and polar, at codon 1134 of the DNMT1 protein (p.Gly1134Asp). This variant is present in population databases (rs770370709, gnomAD 0.005%). This variant has not been reported in the literature in individuals affected with DNMT1-related conditions. ClinVar contains an entry for this variant (Variation ID: 643368). Invitae Evidence Modeling of protein sequence and biophysical properties (such as structural, functional, and spatial information, amino acid conservation, physicochemical variation, residue mobility, and thermodynamic stability) has been performed for this missense variant. However, the output from this modeling did not meet the statistical confidence thresholds required to predict the impact of this variant on DNMT1 protein function. In summary, the available evidence is currently insufficient to determine the role of this variant in disease. Therefore, it has been classified as a Variant of Uncertain Significance.

Ambry Genetics
Classification: Uncertain significance for Inborn genetic diseases. Last evaluated: 2022-07-20. Review status: criteria provided, single submitter. Criteria: Ambry Variant Classification Scheme 2023. Collection method: clinical testing. Allele origin: germline.
Comment: The p.G1118D variant (also known as c.3353G>A), located in coding exon 31 of the DNMT1 gene, results from a G to A substitution at nucleotide position 3353. The glycine at codon 1118 is replaced by aspartic acid, an amino acid with similar properties. This amino acid position is not well conserved in available vertebrate species. In addition, this alteration is predicted to be tolerated by in silico analysis. Since supporting evidence is limited at this time, the clinical significance of this alteration remains unclear.

NM_001130823.3(DNMT1):c.3401G>A (p.Gly1134Asp)

Gene: DNMT1 (DNA methyltransferase 1; minus strand). Cytogenetic location: 19p13.2.
Variant type: single nucleotide variant.
Coding change: c.3401G>A on transcript NM_001130823.3 (MANE Select); coding-DNA position 3401, G replaced by A.
Protein change: p.Gly1134Asp; replaces glycine 1134 with aspartic acid.
Molecular consequence: missense variant.
Genome position (GRCh38, 1-based): chr19:10,140,903, C>T on the plus strand (G>A on the coding strand, the complement: DNMT1 is on the minus strand). VCF-style: chr19-10140903-C-T. GRCh37 (hg19) VCF-style: chr19-10251579-C-T.
Other names: c.3401G>A (LRG_362t1); c.3353G>A, p.Gly1118Asp (NM_001318730.2, NM_001379.4); c.3038G>A, p.Gly1013Asp (NM_001318731.2); short protein forms G1013D, G1118D, G1134D.
Identifiers: ClinVar variation 643368 (VCV000643368.12), dbSNP rs770370709, ClinGen allele CA9187755.
Genomic context (GRCh38, chr19:10,140,903, plus strand): 5'-TTGGGCAGCTTGATCTCTATCTCTGGCTCGCTCGGCTCACAGGCTTGGGACTTGGGCTTG[C>T]CCTTCCCTGGGGGAGAGAGGCCAGAGGCTAAACCCGATCCTCAGAGTCCAAGTCCACCTT-3'
Protein context (NP_001124295.1, residues 1124-1144): NKGKGKGKGK[Gly1134Asp]KPKSQACEPS